The following is an entry in ClinVar:

ClinVar aggregate classification (germline): Uncertain significance (1 of 4 stars; one submission).

Conditions:
Bloom syndrome (BLM). Also called: Bloom-Torre-Machacek syndrome. Identifiers: Orphanet 125, MedGen C0005859, MONDO:0008876, OMIM 210900.

Submission:

Labcorp Genetics (formerly Invitae), Labcorp
Classification: Uncertain significance for Bloom syndrome. Last evaluated: 2025-06-02. Review status: criteria provided, single submitter. Criteria: Invitae Variant Classification Sherloc (09022015). Collection method: clinical testing. Allele origin: germline.
Comment: This sequence change replaces aspartic acid, which is acidic and polar, with alanine, which is neutral and non-polar, at codon 219 of the BLM protein (p.Asp219Ala). This variant is not present in population databases (gnomAD no frequency). This variant has not been reported in the literature in individuals affected with BLM-related conditions. ClinVar contains an entry for this variant (Variation ID: 524791). An algorithm developed to predict the effect of missense changes on protein structure and function (PolyPhen-2) suggests that this variant is likely to be tolerated. In summary, the available evidence is currently insufficient to determine the role of this variant in disease. Therefore, it has been classified as a Variant of Uncertain Significance.

NM_000057.4(BLM):c.656A>C (p.Asp219Ala)

Gene: BLM (BLM RecQ like helicase; plus strand). Cytogenetic location: 15q26.1.
Variant type: single nucleotide variant.
Coding change: c.656A>C on transcript NM_000057.4 (MANE Select); coding-DNA position 656, A replaced by C.
Protein change: p.Asp219Ala; replaces aspartic acid 219 with alanine.
Molecular consequence: missense variant. On other transcripts: 5 prime UTR variant (1).
Genome position (GRCh38, 1-based): chr15:90,749,924, A>C. VCF-style: chr15-90749924-A-C. GRCh37 (hg19) VCF-style: chr15-91293154-A-C.
Other names: c.656A>C, p.Asp219Ala (NM_001287246.2, NM_001287247.2); c.-636A>C (NM_001287248.2); short protein forms D219A.
Identifiers: ClinVar variation 524791 (VCV000524791.9), dbSNP rs1246909789, ClinGen allele CA393841266.